The following is an entry in ClinVar:

ClinVar aggregate classification (germline): Uncertain significance (1 of 4 stars; one submission).

Conditions:
Hereditary cancer-predisposing syndrome. Also called: Neoplastic Syndromes, Hereditary; Tumor predisposition; Hereditary Cancer Syndrome; Hereditary neoplastic syndrome. Identifiers: Orphanet 140162, MedGen C0027672, MeSH D009386, MONDO:0015356.

Submission:

Ambry Genetics
Classification: Uncertain significance for Hereditary cancer-predisposing syndrome. Last evaluated: 2020-12-22. Review status: criteria provided, single submitter. Criteria: Ambry Variant Classification Scheme 2023. Collection method: clinical testing. Allele origin: germline.
Comment: The p.K278E variant (also known as c.832A>G), located in coding exon 6 of the CHEK2 gene, results from an A to G substitution at nucleotide position 832. The lysine at codon 278 is replaced by glutamic acid, an amino acid with similar properties. This amino acid position is highly conserved in available vertebrate species. In addition, the in silico prediction for this alteration is inconclusive. Since supporting evidence is limited at this time, the clinical significance of this alteration remains unclear.

NM_007194.4(CHEK2):c.832A>G (p.Lys278Glu)

Gene: CHEK2 (checkpoint kinase 2; minus strand). Cytogenetic location: 22q12.1.
Variant type: single nucleotide variant.
Coding change: c.832A>G on transcript NM_007194.4 (MANE Select); coding-DNA position 832, A replaced by G.
Protein change: p.Lys278Glu; replaces lysine 278 with glutamic acid.
Molecular consequence: missense variant.
Genome position (GRCh38, 1-based): chr22:28,710,020, T>C on the plus strand (A>G on the coding strand, the complement: CHEK2 is on the minus strand). VCF-style: chr22-28710020-T-C. GRCh37 (hg19) VCF-style: chr22-29106008-T-C.
Other names: c.961A>G, p.Lys321Glu (NM_001005735.3); c.169A>G, p.Lys57Glu (NM_001257387.3); c.631A>G, p.Lys211Glu (NM_001349956.3); c.832A>G, p.Lys278Glu (NM_145862.3); short protein forms K278E, K57E, K211E, K321E.
Identifiers: ClinVar variation 1762949 (VCV001762949.2), dbSNP rs2517942712, ClinGen allele CA411102338.